The following is an entry in ClinVar:

ClinVar aggregate classification (germline): Uncertain significance (1 of 4 stars; one submission).

Allele frequency attached by ClinVar (database versions not stated): gnomAD 0.00001; gnomAD exomes 0.00004 and 0.00006; ExAC 0.00009.

Submission:

Labcorp Genetics (formerly Invitae), Labcorp
Classification: Uncertain significance. Last evaluated: 2022-08-19. Review status: criteria provided, single submitter. Criteria: Invitae Variant Classification Sherloc (09022015). Collection method: clinical testing. Allele origin: germline.
Comment: This variant is present in population databases (rs750912985, gnomAD 0.03%). This sequence change replaces arginine, which is basic and polar, with cysteine, which is neutral and slightly polar, at codon 429 of the PLEKHM2 protein (p.Arg429Cys). This variant has not been reported in the literature in individuals affected with PLEKHM2-related conditions. ClinVar contains an entry for this variant (Variation ID: 1005749). Algorithms developed to predict the effect of missense changes on protein structure and function are either unavailable or do not agree on the potential impact of this missense change (SIFT: "Deleterious"; PolyPhen-2: "Benign"; Align-GVGD: "Class C25"). In summary, the available evidence is currently insufficient to determine the role of this variant in disease. Therefore, it has been classified as a Variant of Uncertain Significance.

NM_015164.4(PLEKHM2):c.1285C>T (p.Arg429Cys)

Gene: PLEKHM2 (pleckstrin homology and RUN domain containing M2; plus strand). Cytogenetic location: 1p36.21.
Variant type: single nucleotide variant.
Coding change: c.1285C>T on transcript NM_015164.4 (MANE Select); coding-DNA position 1285, C replaced by T.
Protein change: p.Arg429Cys; replaces arginine 429 with cysteine.
Molecular consequence: missense variant.
Genome position (GRCh38, 1-based): chr1:15,727,357, C>T. VCF-style: chr1-15727357-C-T. GRCh37 (hg19) VCF-style: chr1-16053852-C-T.
Other names: short protein forms R429C.
Identifiers: ClinVar variation 1005749 (VCV001005749.8), dbSNP rs750912985, ClinGen allele CA616902.